The following is an entry in ClinVar:

NM_000540.3(RYR1):c.9797T>C (p.Met3266Thr)

Gene: RYR1 (ryanodine receptor 1; plus strand). Cytogenetic location: 19q13.2.
Variant type: single nucleotide variant.
Coding change: c.9797T>C on transcript NM_000540.3 (MANE Select); coding-DNA position 9797, T replaced by C.
Protein change: p.Met3266Thr; replaces methionine 3266 with threonine.
Molecular consequence: missense variant.
Genome position (GRCh38, 1-based): chr19:38,517,470, T>C. VCF-style: chr19-38517470-T-C. GRCh37 (hg19) VCF-style: chr19-39008110-T-C.
Other names: NM_000540.3(RYR1):c.9797T>C; p.(Met3266Thr); NM_001042723.2:c.9797T>C; c.9797T>C, p.Met3266Thr (NM_001042723.2); short protein forms M3266T.
Identifiers: ClinVar variation 1330367 (VCV001330367.3), dbSNP rs2145682010, ClinGen allele CA405692068.

ClinVar aggregate classification (germline): Uncertain significance (3 of 4 stars; one submission).

Conditions:
Malignant hyperthermia of anesthesia. Also called: Anesthesic-triggered malignant hyperthermia. Identifiers: Orphanet 423, MedGen C0024591, MONDO:0018493, HP:0034733.

Allele frequency attached by ClinVar (database versions not stated): gnomAD exomes below 0.00001.
gnomAD v4.1: 2 of 1,614,022 alleles (0.00012%); highest among the groups gnomAD compares: Non-Finnish European, 0.00017%; no homozygotes.

Submission:

ClinGen Malignant Hyperthermia Susceptibility Variant Curation Expert Panel, ClinGen
Classification: Uncertain significance for Malignant hyperthermia of anesthesia. Last evaluated: 2025-08-01. Review status: reviewed by expert panel. Criteria: ClinGen MHS ACMG Specifications V2. Collection method: curation. Allele origin: germline. Inheritance: Autosomal dominant inheritance.
Comment: This pathogenicity assessment is relevant only for malignant hyperthermia susceptibility (MHS) inherited in an autosomal dominant pattern. Variants in RYR1 can also cause other myopathies inherited in an autosomal dominant pattern or in an autosomal recessive pattern. Some of these disorders may predispose individuals to malignant hyperthermia. RYR1 variants may also contribute to a malignant hyperthermia reaction in combination with other genetic and non-genetic factors and the clinician needs to consider such factors in making management decisions. This sequence variant predicts a substitution of methionine with threonine at codon 3266 of the RYR1 protein, p.(Met3266Thr). This variant was not present in a large population database (gnomAD) at the time this variant was interpreted. This variant has been reported in an individual with a personal or family history of an MH episode and a positive in vitro contracture test (IVCT) or caffeine halothane contracture test (CHCT) result (if the proband was unavailable for testing, a positive diagnostic test result in a mutation-positive relative was counted), PS4_Supporting (PMID:30236257). No functional studies were identified for this variant. This variant does not reside in a hotspot for pathogenic variants that contribute to MHS. A REVEL score of 0.742 supports neither a pathogenic nor a benign status for this variant. This variant has been classified as a Variant of Unknown Significance. Criteria implemented: PS4_Supporting.